The following is an entry in ClinVar:

NM_144999.4(LRRC45):c.730C>T (p.Leu244Phe)

Gene: LRRC45 (leucine rich repeat containing 45; plus strand). Cytogenetic location: 17q25.3.
Variant type: single nucleotide variant.
Coding change: c.730C>T on transcript NM_144999.4 (MANE Select); coding-DNA position 730, C replaced by T.
Protein change: p.Leu244Phe; replaces leucine 244 with phenylalanine.
Molecular consequence: missense variant.
Genome position (GRCh38, 1-based): chr17:82,026,967, C>T. VCF-style: chr17-82026967-C-T. GRCh37 (hg19) VCF-style: chr17-79984843-C-T.
Other names: c.730C>T (NM_144999.3); short protein forms L244F.
Identifiers: ClinVar variation 3120740 (VCV003120740.2), dbSNP rs199547820, ClinGen allele CA8847764.

ClinVar aggregate classification (germline): Uncertain significance. Review status: criteria provided, multiple submitters, no conflicts (2 of 4 stars). 2 submissions from 2 submitters: Uncertain significance (2). Last evaluated 2026-09-21.

Conditions:
LRRC45-related disorder. Also called: LRRC45-related condition.

Allele frequency attached by ClinVar (database versions not stated): ExAC 0.00002; TOPMed 0.00005; gnomAD 0.00006; gnomAD exomes 0.00006.
gnomAD v4.1: 90 of 1,607,748 alleles (0.0056%); highest among the groups gnomAD compares: Non-Finnish European, 0.0074%; no homozygotes.

Submissions (2):

PreventionGenetics, part of Exact Sciences
Classification: Uncertain significance for LRRC45-related condition. Last evaluated: 2026-09-21. Review status: criteria provided, single submitter. Criteria: ACMG Guidelines, 2015. Collection method: clinical testing. Allele origin: germline.
Comment: The LRRC45 c.730C>T variant is predicted to result in the amino acid substitution p.Leu244Phe. To our knowledge, this variant has not been reported in the literature. This variant is reported in 0.0073% of alleles in individuals of European (Non-Finnish) descent in gnomAD. At this time, the clinical significance of this variant is uncertain due to the absence of conclusive functional and genetic evidence.

Ambry Genetics
Classification: Uncertain significance. Last evaluated: 2024-02-21. Review status: criteria provided, single submitter. Criteria: Ambry Variant Classification Scheme 2023. Collection method: clinical testing. Allele origin: germline.